The following is an entry in ClinVar:

ClinVar aggregate classification (germline): Uncertain significance. Review status: criteria provided, multiple submitters, no conflicts (2 of 4 stars). 2 submissions from 2 submitters: Uncertain significance (2). Last evaluated 2025-10-18.

Conditions:
Hyperammonemia, type III (NAGSD). Also called: Hyperammonemia due to N-acetylglutamate synthase deficiency. Identifiers: Orphanet 927, MedGen C0268543, MONDO:0009377, OMIM 237310.
Inborn genetic diseases. Identifiers: MedGen C0950123, MeSH D030342.

Allele frequency attached by ClinVar (database versions not stated): gnomAD exomes 0.00003; ExAC 0.00005.

Submissions (2):

Ambry Genetics
Classification: Uncertain significance for Inborn genetic diseases. Last evaluated: 2025-10-18. Review status: criteria provided, single submitter. Criteria: Ambry Variant Classification Scheme 2023. Collection method: clinical testing. Allele origin: germline.

Labcorp Genetics (formerly Invitae), Labcorp
Classification: Uncertain significance for Hyperammonemia, type III. Last evaluated: 2021-09-24. Review status: criteria provided, single submitter. Criteria: Invitae Variant Classification Sherloc (09022015). Collection method: clinical testing. Allele origin: germline.
Comment: This sequence change replaces glycine with aspartic acid at codon 27 of the NAGS protein (p.Gly27Asp). The glycine residue is weakly conserved and there is a moderate physicochemical difference between glycine and aspartic acid. This variant is present in population databases (rs755538430, ExAC 0.07%). This variant has not been reported in the literature in individuals with NAGS-related conditions. Algorithms developed to predict the effect of missense changes on protein structure and function output the following: SIFT: "Tolerated"; PolyPhen-2: "Probably Damaging"; Align-GVGD: "Class C0". The aspartic acid amino acid residue is found in multiple mammalian species, suggesting that this missense change does not adversely affect protein function. These predictions have not been confirmed by published functional studies and their clinical significance is uncertain. In summary, the available evidence is currently insufficient to determine the role of this variant in disease. Therefore, it has been classified as a Variant of Uncertain Significance.

NM_153006.3(NAGS):c.80G>A (p.Gly27Asp)

Gene: NAGS (N-acetylglutamate synthase; plus strand). Cytogenetic location: 17q21.31.
Variant type: single nucleotide variant.
Coding change: c.80G>A on transcript NM_153006.3 (MANE Select); coding-DNA position 80, G replaced by A.
Protein change: p.Gly27Asp; replaces glycine 27 with aspartic acid.
Molecular consequence: missense variant.
Genome position (GRCh38, 1-based): chr17:44,004,743, G>A. VCF-style: chr17-44004743-G-A. GRCh37 (hg19) VCF-style: chr17-42082111-G-A.
Other names: c.80G>A (NM_153006.2); short protein forms G27D.
Identifiers: ClinVar variation 1402672 (VCV001402672.6), dbSNP rs755538430, ClinGen allele CA8595091.